The following is an entry in ClinVar:

ClinVar aggregate classification (germline): Uncertain significance (1 of 4 stars; one submission).

Conditions:
Autosomal dominant nonsyndromic hearing loss 1. Also called: KONIGSMARK SYNDROME; DEAFNESS, AUTOSOMAL DOMINANT 1, WITH OR WITHOUT THROMBOCYTOPENIA. Identifiers: Orphanet 90635, MedGen C1852282, MONDO:0007424, OMIM 124900.
Progressive microcephaly-seizures-cortical blindness-developmental delay syndrome. Also called: Seizures, cortical blindness, and microcephaly syndrome. Identifiers: Orphanet 477814, MedGen C5567650, MONDO:0014714, OMIM 616632.

Submission:

Labcorp Genetics (formerly Invitae), Labcorp
Classification: Uncertain significance for Progressive microcephaly-seizures-cortical blindness-developmental delay syndrome; Autosomal dominant nonsyndromic hearing loss 1. Last evaluated: 2024-12-16. Review status: criteria provided, single submitter. Criteria: Invitae Variant Classification Sherloc (09022015). Collection method: clinical testing. Allele origin: germline.
Comment: This sequence change falls in intron 24 of the DIAPH1 gene. It does not directly change the encoded amino acid sequence of the DIAPH1 protein. It affects a nucleotide within the consensus splice site. This variant is not present in population databases (gnomAD no frequency). This variant has not been reported in the literature in individuals affected with DIAPH1-related conditions. Variants that disrupt the consensus splice site are a relatively common cause of aberrant splicing (PMID: 17576681, 9536098). Algorithms developed to predict the effect of sequence changes on RNA splicing suggest that this variant may disrupt the consensus splice site. In summary, the available evidence is currently insufficient to determine the role of this variant in disease. Therefore, it has been classified as a Variant of Uncertain Significance.

Literature cited by the submitters: PubMed 17576681; PubMed 9536098.

NM_005219.5(DIAPH1):c.3273+4T>G

Gene: DIAPH1 (diaphanous related formin 1; minus strand). Cytogenetic location: 5q31.3.
Variant type: single nucleotide variant.
Coding change: c.3273+4T>G on transcript NM_005219.5 (MANE Select); 4 bases into the intron after coding-DNA position 3273, T replaced by G.
Molecular consequence: intron variant.
Genome position (GRCh38, 1-based): chr5:141,527,569, A>C on the plus strand (T>G on the coding strand, the complement: DIAPH1 is on the minus strand). VCF-style: chr5-141527569-A-C. GRCh37 (hg19) VCF-style: chr5-140907136-A-C.
Other names: c.3246+4T>G (NM_001079812.3); c.3273+4T>G (NM_001314007.2).
Identifiers: ClinVar variation 3750766 (VCV003750766.2).